The following is an entry in ClinVar:

ClinVar aggregate classification (germline): Uncertain significance (1 of 4 stars; one submission).

Conditions:
Inborn genetic diseases. Identifiers: MedGen C0950123, MeSH D030342.

gnomAD v4.1: 2 of 1,551,410 alleles (0.00013%); highest among the groups gnomAD compares: Non-Finnish European, 0.00017%; no homozygotes.

Submission:

Ambry Genetics
Classification: Uncertain significance for Inborn genetic diseases. Last evaluated: 2026-02-24. Review status: criteria provided, single submitter. Criteria: Ambry Variant Classification Scheme 2023. Collection method: clinical testing. Allele origin: germline.
Comment: The c.2036T>C (p.V679A) alteration is located in exon 15 (coding exon 15) of the PDE4D gene. This alteration results from a T to C substitution at nucleotide position 2036, causing the valine (V) at amino acid position 679 to be replaced by an alanine (A). Based on data from gnomAD, the C allele has an overall frequency of <0.001% (1/210854) total alleles studied. The highest observed frequency was 0.001% (1/97420) of European (non-Finnish) alleles. Based on insufficient or conflicting evidence, the clinical significance of this alteration remains unclear.

NM_001104631.2(PDE4D):c.2036T>C (p.Val679Ala)

Gene: PDE4D (phosphodiesterase 4D; minus strand). Cytogenetic location: 5q11.2.
Variant type: single nucleotide variant.
Coding change: c.2036T>C on transcript NM_001104631.2 (MANE Select); coding-DNA position 2036, T replaced by C.
Protein change: p.Val679Ala; replaces valine 679 with alanine.
Molecular consequence: missense variant.
Genome position (GRCh38, 1-based): chr5:58,975,058, A>G on the plus strand (T>C on the coding strand, the complement: PDE4D is on the minus strand). VCF-style: chr5-58975058-A-G. GRCh37 (hg19) VCF-style: chr5-58270885-A-G.
Other names: c.1853T>C, p.Val618Ala (NM_001165899.2, NM_001364599.1); c.1844T>C, p.Val615Ala (NM_001197218.2); c.1670T>C, p.Val557Ala (NM_001197219.2); c.1646T>C, p.Val549Ala (NM_001197220.2); c.1130T>C, p.Val377Ala (NM_001197221.2, NM_001364603.1); c.1364T>C, p.Val455Ala (NM_001197222.2); c.1163T>C, p.Val388Ala (NM_001197223.2); c.1823T>C, p.Val608Ala (NM_001349241.2); and 3 more; short protein forms V549A, V569A, V679A, V423A, V388A, V455A, V543A, V557A.
Identifiers: ClinVar variation 4840358 (VCV004840358.1).